The following is an entry in ClinVar:

ClinVar aggregate classification (germline): Uncertain significance. Review status: criteria provided, multiple submitters, no conflicts (2 of 4 stars). 4 submissions from 4 submitters: Uncertain significance (4). Last evaluated 2024-04-15.

Conditions:
Neuromuscular disease caused by qualitative or quantitative defects of dysferlin. Also called: Qualitative or quantitative defects of dysferlin; Dysferlinopathy. Identifiers: Orphanet 207073, MedGen C2931687, MONDO:0016145.
Inborn genetic diseases. Identifiers: MedGen C0950123, MeSH D030342.

Allele frequency attached by ClinVar (database versions not stated): gnomAD exomes below 0.00001 and 0.00002; gnomAD 0.00001; TOPMed 0.00002.
gnomAD v4.1: 12 of 1,613,988 alleles (0.00074%); highest among the groups gnomAD compares: Non-Finnish European, 0.001%; no homozygotes.

Submissions (4):

Ambry Genetics
Classification: Uncertain significance for Inborn genetic diseases. Last evaluated: 2024-04-15. Review status: criteria provided, single submitter. Criteria: Ambry Variant Classification Scheme 2023. Collection method: clinical testing. Allele origin: germline.

Athena Diagnostics
Classification: Uncertain significance. Last evaluated: 2022-08-22. Review status: criteria provided, single submitter. Criteria: Athena Diagnostics Criteria. Collection method: clinical testing. Allele origin: unknown.

Labcorp Genetics (formerly Invitae), Labcorp
Classification: Uncertain significance for Neuromuscular disease caused by qualitative or quantitative defects of dysferlin. Last evaluated: 2021-10-06. Review status: criteria provided, single submitter. Criteria: Invitae Variant Classification Sherloc (09022015). Collection method: clinical testing. Allele origin: germline.
Comment: This sequence change replaces phenylalanine with serine at codon 1135 of the DYSF protein (p.Phe1135Ser). The phenylalanine residue is moderately conserved and there is a large physicochemical difference between phenylalanine and serine. This variant is not present in population databases (ExAC no frequency). This variant has not been reported in the literature in individuals with DYSF-related conditions. ClinVar contains an entry for this variant (Variation ID: 290557). Algorithms developed to predict the effect of missense changes on protein structure and function are either unavailable or do not agree on the potential impact of this missense change (SIFT: "Deleterious"; PolyPhen-2: "Probably Damaging"; Align-GVGD: "Class C0"). In summary, the available evidence is currently insufficient to determine the role of this variant in disease. Therefore, it has been classified as a Variant of Uncertain Significance.

Eurofins Ntd Llc (ga)
Classification: Uncertain significance. Last evaluated: 2016-08-30. Review status: criteria provided, single submitter. Criteria: EGL Classification Definitions 2015. Collection method: clinical testing. Allele origin: germline. Observed: 1 variant allele, 1 heterozygote.

NM_001130987.2(DYSF):c.3458T>C (p.Phe1153Ser)

Gene: DYSF (dysferlin; plus strand). Cytogenetic location: 2p13.2.
Variant type: single nucleotide variant.
Coding change: c.3458T>C on transcript NM_001130987.2 (MANE Select); coding-DNA position 3458, T replaced by C.
Protein change: p.Phe1153Ser; replaces phenylalanine 1153 with serine.
Molecular consequence: missense variant.
Genome position (GRCh38, 1-based): chr2:71,589,648, T>C. VCF-style: chr2-71589648-T-C. GRCh37 (hg19) VCF-style: chr2-71816778-T-C.
Other names: c.3407T>C, p.Phe1136Ser (NM_001130455.2, NM_001130983.2); c.3362T>C, p.Phe1121Ser (NM_001130976.2, NM_001130977.2); c.3404T>C, p.Phe1135Ser (NM_001130978.2, NM_003494.4); c.3497T>C, p.Phe1166Ser (NM_001130979.2); c.3455T>C, p.Phe1152Ser (NM_001130980.2, NM_001130981.2); c.3500T>C, p.Phe1167Ser (NM_001130982.2); c.3365T>C, p.Phe1122Ser (NM_001130984.2, NM_001130986.2); c.3458T>C, p.Phe1153Ser (NM_001130985.2); short protein forms F1153S, F1135S, F1136S, F1152S, F1121S, F1122S, F1166S, F1167S.
Identifiers: ClinVar variation 290557 (VCV000290557.8), dbSNP rs886044487, ClinGen allele CA10606818.